The following is an entry in ClinVar:

NM_052867.4(NALCN):c.303del (p.Tyr102fs)

Gene: NALCN (sodium leak channel, non-selective; minus strand). Cytogenetic location: 13q33.1.
Variant type: Deletion.
Coding change: c.303del on transcript NM_052867.4 (MANE Select); coding-DNA position 303, one base deleted (C; older notation c.303delC).
Protein change: p.Tyr102fs; shifts the reading frame from tyrosine 102.
Molecular consequence: frameshift variant.
Genome position (GRCh38, 1-based): chr13:101,378,642, G deleted on the plus strand (C on the coding strand, the reverse complement: NALCN is on the minus strand); the first of 2 consecutive G bases (chr13:101,378,642-101,378,643); deleting either gives the same sequence. VCF-style (leftmost placement, unchanged base first): chr13-101378641-AG-A. GRCh37 (hg19) VCF-style: chr13-102030992-AG-A.
Other names: c.303del, p.Tyr102fs (NM_001350748.2, NM_001350749.2, NM_001350750.2 and 1 more transcripts); short protein forms Y102fs.
Identifiers: ClinVar variation 1254313 (VCV001254313.3), dbSNP rs2139426437, ClinGen allele CA2499221940.

ClinVar aggregate classification (germline): Pathogenic (1 of 4 stars; one submission).

Submission:

GeneDx
Classification: Pathogenic. Last evaluated: 2024-04-15. Review status: criteria provided, single submitter. Criteria: GeneDx Variant Classification Process June 2021. Collection method: clinical testing. Allele origin: germline. Affected: yes.
Comment: Not observed at significant frequency in large population cohorts (gnomAD); Frameshift variant predicted to result in protein truncation or nonsense mediated decay in a gene for which loss-of-function is a known mechanism of disease; This variant is associated with the following publications: (PMID: 26633542)